The following is an entry in ClinVar:

ClinVar aggregate classification (germline): Uncertain significance. Review status: criteria provided, multiple submitters, no conflicts (2 of 4 stars). 3 submissions from 3 submitters: Uncertain significance (3). Last evaluated 2026-06-08.

Conditions:
Hereditary cancer-predisposing syndrome. Also called: Hereditary Cancer Syndrome; Neoplastic Syndromes, Hereditary; Tumor predisposition; Hereditary neoplastic syndrome. Identifiers: Orphanet 140162, MedGen C0027672, MeSH D009386, MONDO:0015356.
Familial adenomatous polyposis 1 (FAP1). Also called: FAMILIAL ADENOMATOUS POLYPOSIS 1, ATTENUATED; POLYPOSIS, ADENOMATOUS INTESTINAL. Identifiers: MedGen C2713442, MONDO:0021056, OMIM 175100. Disease mechanism: loss of function.

Allele frequency attached by ClinVar (database versions not stated): gnomAD exomes below 0.00001.
gnomAD v4.1: 2 of 1,614,180 alleles (0.00012%); highest among the groups gnomAD compares: South Asian, 0.0011%; no homozygotes.

Submissions (3):

Ambry Genetics
Classification: Uncertain significance for Hereditary cancer-predisposing syndrome. Last evaluated: 2026-06-08. Review status: criteria provided, single submitter. Criteria: Ambry Variant Classification Scheme 2023. Collection method: clinical testing. Allele origin: germline.
Comment: The p.E918K variant (also known as c.2752G>A), located in coding exon 15 of the APC gene, results from a G to A substitution at nucleotide position 2752. The glutamic acid at codon 918 is replaced by lysine, an amino acid with similar properties. This amino acid position is well conserved in available vertebrate species. Missense variants in APC are not a common cause of disease (Spier I et al. Genet Med. 2024 Feb;26(2):100992). Based on the available evidence, the clinical significance of this variant remains unclear.

Labcorp Genetics (formerly Invitae), Labcorp
Classification: Uncertain significance for Familial adenomatous polyposis 1. Last evaluated: 2024-08-04. Review status: criteria provided, single submitter. Criteria: Invitae Variant Classification Sherloc (09022015). Collection method: clinical testing. Allele origin: germline.
Comment: This sequence change replaces glutamic acid, which is acidic and polar, with lysine, which is basic and polar, at codon 918 of the APC protein (p.Glu918Lys). This variant is not present in population databases (gnomAD no frequency). This variant has not been reported in the literature in individuals affected with APC-related conditions. ClinVar contains an entry for this variant (Variation ID: 927196). Advanced modeling of protein sequence and biophysical properties (such as structural, functional, and spatial information, amino acid conservation, physicochemical variation, residue mobility, and thermodynamic stability) performed at Invitae indicates that this missense variant is not expected to disrupt APC protein function with a negative predictive value of 95%. In summary, the available evidence is currently insufficient to determine the role of this variant in disease. Therefore, it has been classified as a Variant of Uncertain Significance.

Color Diagnostics, LLC DBA Color Health
Classification: Uncertain significance for Hereditary cancer-predisposing syndrome. Last evaluated: 2019-05-06. Review status: criteria provided, single submitter. Criteria: ACMG Guidelines, 2015. Collection method: clinical testing. Allele origin: germline.

NM_000038.6(APC):c.2752G>A (p.Glu918Lys)

Gene: APC (APC regulator of Wnt signaling pathway; plus strand). Cytogenetic location: 5q22.2.
Variant type: single nucleotide variant.
Coding change: c.2752G>A on transcript NM_000038.6 (MANE Select); coding-DNA position 2752, G replaced by A.
Protein change: p.Glu918Lys; replaces glutamic acid 918 with lysine.
Molecular consequence: missense variant.
Genome position (GRCh38, 1-based): chr5:112,838,346, G>A. VCF-style: chr5-112838346-G-A. GRCh37 (hg19) VCF-style: chr5-112174043-G-A.
Other names: c.2752G>A, p.Glu918Lys (NM_001127510.3, NM_001354895.2); c.2698G>A, p.Glu900Lys (NM_001127511.3); c.2806G>A, p.Glu936Lys (NM_001354896.2); c.2782G>A, p.Glu928Lys (NM_001354897.2); c.2677G>A, p.Glu893Lys (NM_001354898.2); c.2668G>A, p.Glu890Lys (NM_001354899.2); c.2629G>A, p.Glu877Lys (NM_001354900.2); c.2575G>A, p.Glu859Lys (NM_001354901.2); and 5 more; short protein forms E893K, E792K, E877K, E928K, E635K, E758K, E817K, E827K.
Identifiers: ClinVar variation 927196 (VCV000927196.11), dbSNP rs1765256327, ClinGen allele CA16027333.